The following is an entry in ClinVar:

NM_001039.4(SCNN1G):c.549C>T (p.Gly183=)

Gene: SCNN1G (sodium channel epithelial 1 subunit gamma; plus strand). Cytogenetic location: 16p12.2.
Variant type: single nucleotide variant.
Coding change: c.549C>T on transcript NM_001039.4 (MANE Select); coding-DNA position 549, C replaced by T.
Protein change: p.Gly183=; no amino-acid change (glycine 183 retained).
Molecular consequence: synonymous variant.
Genome position (GRCh38, 1-based): chr16:23,189,602, C>T. VCF-style: chr16-23189602-C-T. GRCh37 (hg19) VCF-style: chr16-23200923-C-T.
Other names: p.Gly183=.
Identifiers: ClinVar variation 165174 (VCV000165174.19), dbSNP rs5737, ClinGen allele CA177890.
Genomic context (GRCh38, chr16:23,189,602, plus strand): 5'-TGATCAGGATGAGAAGGGCAAGGCCAGGGACTTCTTCACAGGGAGGAAGCGGAAAGTCGG[C>T]GGTAGCATCATTCACAAGGCTTCAAATGTCATGCACATCGAGTCCAAGCAAGTGGTGGGA-3'
Protein context (NP_001030.2, residues 173-193): DFFTGRKRKV[Gly183=]GSIIHKASNV

ClinVar aggregate classification (germline): Benign/Likely benign. Review status: criteria provided, multiple submitters, no conflicts (2 of 4 stars). 10 submissions from 9 submitters: Benign (9); Likely benign (1). Last evaluated 2026-02-04.

Conditions:
Liddle syndrome 2. Identifiers: MedGen C4748251, MONDO:0020854, OMIM 618114.
Pseudohypoaldosteronism, type IB1, autosomal recessive. Also called: Pseudohypoaldosteronism, Type I, Autosomal Recessive; Pseudohypoaldosteronism, Type I, Recessive; PHA I, AUTOSOMAL RECESSIVE; Autosomal recessive pseudohypoaldosteronism type 1. Identifiers: Orphanet 171876, Orphanet 756, MedGen C5774176, MONDO:0009917, OMIM 264350.

Allele frequency attached by ClinVar (database versions not stated): 1000 Genomes Project 30x 0.04325; 1000 Genomes Project 0.04453; TOPMed 0.05914; ExAC 0.06086; gnomAD exomes 0.06122; ESP Exome Variant Server 0.06411; gnomAD 0.06537 and 0.06659.
gnomAD v4.1: 107,817 of 1,613,944 alleles (6.7%); highest among the groups gnomAD compares: Non-Finnish European, 7.1%; 4,018 homozygotes.

Submissions (10):

Labcorp Genetics (formerly Invitae), Labcorp
Classification: Benign. Last evaluated: 2026-02-04. Review status: criteria provided, single submitter. Criteria: Invitae Variant Classification Sherloc (09022015). Collection method: clinical testing. Allele origin: germline.

Blueprint Genetics
Classification: Likely benign. Last evaluated: 2024-11-27. Review status: criteria provided, single submitter. Criteria: ACMG Guidelines, 2015. Collection method: clinical testing. Allele origin: germline.

Mayo Clinic Laboratories, Mayo Clinic
Classification: Benign. Last evaluated: 2022-09-26. Review status: criteria provided, single submitter. Criteria: ACMG Guidelines, 2015. Collection method: clinical testing. Allele origin: germline. Observed: 24 variant alleles.

GeneDx
Classification: Benign. Last evaluated: 2020-02-03. Review status: criteria provided, single submitter. Criteria: GeneDx Variant Classification Process June 2021. Collection method: clinical testing. Allele origin: germline. Affected: yes.

Illumina Laboratory Services, Illumina
Classification: Benign for Pseudohypoaldosteronism, type IB1, autosomal recessive. Last evaluated: 2018-01-12. Review status: criteria provided, single submitter. Criteria: ICSL Variant Classification Criteria 13 December 2019. Collection method: clinical testing. Allele origin: germline.
Comment: This variant was observed in the ICSL laboratory as part of a predisposition screen in an ostensibly healthy population. It had not been previously curated by ICSL or reported in the Human Gene Mutation Database (HGMD: prior to June 1st, 2018), and was therefore a candidate for classification through an automated scoring system. Utilizing variant allele frequency, disease prevalence and penetrance estimates, and inheritance mode, an automated score was calculated to assess if this variant is too frequent to cause the disease. Based on the score and internal cut-off values, a variant classified as benign is not then subjected to further curation. The score for this variant resulted in a classification of benign for this disease.

Illumina Laboratory Services, Illumina
Classification: Benign for Liddle syndrome 2. Last evaluated: 2018-01-12. Review status: criteria provided, single submitter. Criteria: ICSL Variant Classification Criteria 13 December 2019. Collection method: clinical testing. Allele origin: germline.
Comment: the same text as in the submission from Illumina Laboratory Services, Illumina above.

Athena Diagnostics
Classification: Benign. Last evaluated: 2017-12-15. Review status: criteria provided, single submitter. Criteria: Athena Diagnostics Criteria. Collection method: clinical testing. Allele origin: germline.

Laboratory for Molecular Medicine, Mass General Brigham Personalized Medicine
Classification: Benign. Last evaluated: 2013-02-21. Review status: criteria provided, single submitter. Criteria: LMM Criteria. Collection method: clinical testing. Allele origin: germline. Observed: 19 variant alleles.
Comment: Gly183Gly in exon 3 of SCNN1G: This variant is not expected to have clinical sig nificance because it does not alter an amino acid residue and is not located wit hin the splice consensus sequence. It has been identified in 6.9% (596/8600) of European American chromosomes from a broad population by the NHLBI Exome Sequenc ing Project (dbSNP rs5737).

Breakthrough Genomics
Classification: Benign. Review status: criteria provided, single submitter. Criteria: ACMG Guidelines, 2015. Collection method: not provided. Allele origin: germline. Inheritance: Autosomal dominant inheritance. Affected: yes.

PreventionGenetics, part of Exact Sciences
Classification: Benign. Review status: criteria provided, single submitter. Criteria: ACMG Guidelines, 2015. Collection method: clinical testing. Allele origin: germline.